The following is an entry in ClinVar:

NM_001256071.3(RNF213):c.1357G>A (p.Val453Ile)

Gene: RNF213 (ring finger protein 213; plus strand). Cytogenetic location: 17q25.3.
Variant type: single nucleotide variant.
Coding change: c.1357G>A on transcript NM_001256071.3 (MANE Select); coding-DNA position 1357, G replaced by A.
Protein change: p.Val453Ile; replaces valine 453 with isoleucine.
Molecular consequence: missense variant.
Genome position (GRCh38, 1-based): chr17:80,291,713, G>A. VCF-style: chr17-80291713-G-A. GRCh37 (hg19) VCF-style: chr17-78265512-G-A.
Other names: c.1504G>A, p.Val502Ile (NM_001410195.1, NM_020914.5); c.1357G>A, p.Val453Ile (NM_020954.4); short protein forms V502I, V453I.
Identifiers: ClinVar variation 4754868 (VCV004754868.1).

ClinVar aggregate classification (germline): Uncertain significance (1 of 4 stars; one submission).

gnomAD v4.1: 4 of 1,614,050 alleles (0.00025%); highest among the groups gnomAD compares: Admixed American, 0.0017%; no homozygotes.

Submission:

Labcorp Genetics (formerly Invitae), Labcorp
Classification: Uncertain significance. Last evaluated: 2025-04-03. Review status: criteria provided, single submitter. Criteria: Invitae Variant Classification Sherloc (09022015). Collection method: clinical testing. Allele origin: germline.
Comment: This sequence change replaces valine, which is neutral and non-polar, with isoleucine, which is neutral and non-polar, at codon 453 of the RNF213 protein (p.Val453Ile). This variant is present in population databases (no rsID available, gnomAD 0.003%). This variant has not been reported in the literature in individuals affected with RNF213-related conditions. Invitae Evidence Modeling of protein sequence and biophysical properties (such as structural, functional, and spatial information, amino acid conservation, physicochemical variation, residue mobility, and thermodynamic stability) indicates that this missense variant is not expected to disrupt RNF213 protein function with a negative predictive value of 95%. In summary, the available evidence is currently insufficient to determine the role of this variant in disease. Therefore, it has been classified as a Variant of Uncertain Significance.